The following is an entry in ClinVar:

NM_003611.3(OFD1):c.1129+4_1129+5del

Gene: OFD1 (OFD1 centriole and centriolar satellite protein; plus strand). Cytogenetic location: Xp22.2.
Variant type: Deletion.
Coding change: c.1129+4_1129+5del on transcript NM_003611.3 (MANE Select); bases 4 to 5 of the intron after coding-DNA position 1129, 2 bases deleted (AT; older notation c.1129+4_1129+5delAT).
Molecular consequence: intron variant.
Genome position (GRCh38, 1-based): chrX:13,753,445-13,753,446, AT deleted. VCF-style (leftmost placement, unchanged base first): chrX-13753444-GAT-G. GRCh37 (hg19) VCF-style: chrX-13771563-GAT-G.
Other names: c.709+4_709+5del (NM_001330210.2); c.1129+4_1129+5del (NM_001440947.1); c.1009+4_1009+5del (NM_001330209.2, NM_001440948.1).
Identifiers: ClinVar variation 4526353 (VCV004526353.1).

ClinVar aggregate classification (germline): Likely pathogenic (1 of 4 stars; one submission).

Submission:

Centre of Medical Genetics, University Hospital Muenster
Classification: Likely pathogenic. Last evaluated: 2025-05-27. Review status: criteria provided, single submitter. Criteria: ACMG Guidelines, 2015. Collection method: clinical testing. Allele origin: de novo. Affected: yes. Observed: 1 variant allele, 1 heterozygote.
Comment: ACMG categories: PS2,PM2,PP4